The following is an entry in ClinVar:

NM_002949.4(MRPL12):c.379C>T (p.Arg127Trp)

Gene: MRPL12 (mitochondrial ribosomal protein L12; plus strand). Cytogenetic location: 17q25.3.
Variant type: single nucleotide variant.
Coding change: c.379C>T on transcript NM_002949.4 (MANE Select); coding-DNA position 379, C replaced by T.
Protein change: p.Arg127Trp; replaces arginine 127 with tryptophan.
Molecular consequence: missense variant.
Genome position (GRCh38, 1-based): chr17:81,706,939, C>T. VCF-style: chr17-81706939-C-T. GRCh37 (hg19) VCF-style: chr17-79673969-C-T.
Other names: c.379C>T (NM_002949.3); short protein forms R127W.
Identifiers: ClinVar variation 2413755 (VCV002413755.7), dbSNP rs372734787, ClinGen allele CA8841371.
Genomic context (GRCh38, chr17:81,706,939, plus strand): 5'-GGCTCCCCTTCTTTCCTGCTCCCTAAGGCGGTGGAAGAAGATATCCCCATAGCGAAAGAA[C>T]GGACACATTTCACCGTCCGCCTGACCGAGGCGAAGCCCGTGGACAAAGTGAAGCTGATCA-3'
Protein context (NP_002940.2, residues 117-137): VEEDIPIAKE[Arg127Trp]THFTVRLTEA

ClinVar aggregate classification (germline): Uncertain significance. Review status: criteria provided, multiple submitters, no conflicts (2 of 4 stars). 2 submissions from 2 submitters: Uncertain significance (2). Last evaluated 2025-03-07.

Allele frequency attached by ClinVar (database versions not stated): gnomAD 0.00001; gnomAD exomes 0.00001; TOPMed 0.00001; ExAC 0.00002; ESP Exome Variant Server 0.00008.

Submissions (2):

Ambry Genetics
Classification: Uncertain significance. Last evaluated: 2025-03-07. Review status: criteria provided, single submitter. Criteria: Ambry Variant Classification Scheme 2023. Collection method: clinical testing. Allele origin: germline.

Labcorp Genetics (formerly Invitae), Labcorp
Classification: Uncertain significance. Last evaluated: 2022-03-04. Review status: criteria provided, single submitter. Criteria: Invitae Variant Classification Sherloc (09022015). Collection method: clinical testing. Allele origin: germline.
Comment: This sequence change replaces arginine, which is basic and polar, with tryptophan, which is neutral and slightly polar, at codon 127 of the MRPL12 protein (p.Arg127Trp). This variant is present in population databases (rs372734787, gnomAD 0.007%). This variant has not been reported in the literature in individuals affected with MRPL12-related conditions. Algorithms developed to predict the effect of missense changes on protein structure and function are either unavailable or do not agree on the potential impact of this missense change (SIFT: "Deleterious"; PolyPhen-2: "Possibly Damaging"; Align-GVGD: "Class C0"). In summary, the available evidence is currently insufficient to determine the role of this variant in disease. Therefore, it has been classified as a Variant of Uncertain Significance.